The following is an entry in ClinVar:

ClinVar aggregate classification (germline): Uncertain significance (1 of 4 stars; one submission).

Conditions:
Xanthinuria type II. Also called: Xanthine dehydrogenase and aldehyde oxidase combined deficiency of; XDH and AOX dual deficiency. Identifiers: Orphanet 3467, Orphanet 93602, MedGen C1863688, MONDO:0011346, OMIM 603592.

gnomAD v4.1: 2 of 1,614,152 alleles (0.00012%); highest among the groups gnomAD compares: Non-Finnish European, 0.00017%; no homozygotes.

Submission:

Labcorp Genetics (formerly Invitae), Labcorp
Classification: Uncertain significance for Xanthinuria type II. Last evaluated: 2022-04-18. Review status: criteria provided, single submitter. Criteria: Invitae Variant Classification Sherloc (09022015). Collection method: clinical testing. Allele origin: germline.
Comment: In summary, the available evidence is currently insufficient to determine the role of this variant in disease. Therefore, it has been classified as a Variant of Uncertain Significance. Algorithms developed to predict the effect of missense changes on protein structure and function are either unavailable or do not agree on the potential impact of this missense change (SIFT: "Tolerated"; PolyPhen-2: "Possibly Damaging"; Align-GVGD: "Class C0"). This variant has not been reported in the literature in individuals affected with XDH-related conditions. This variant is not present in population databases (gnomAD no frequency). This sequence change replaces arginine, which is basic and polar, with threonine, which is neutral and polar, at codon 439 of the XDH protein (p.Arg439Thr).

NM_000379.4(XDH):c.1316G>C (p.Arg439Thr)

Gene: XDH (xanthine dehydrogenase; minus strand). Cytogenetic location: 2p23.1.
Variant type: single nucleotide variant.
Coding change: c.1316G>C on transcript NM_000379.4 (MANE Select); coding-DNA position 1316, G replaced by C.
Protein change: p.Arg439Thr; replaces arginine 439 with threonine.
Molecular consequence: missense variant.
Genome position (GRCh38, 1-based): chr2:31,377,164, C>G on the plus strand (G>C on the coding strand, the complement: XDH is on the minus strand). VCF-style: chr2-31377164-C-G. GRCh37 (hg19) VCF-style: chr2-31600030-C-G.
Other names: short protein forms R439T.
Identifiers: ClinVar variation 2127789 (VCV002127789.4), dbSNP rs2465373592, ClinGen allele CA346507828.